The following is an entry in ClinVar:

ClinVar aggregate classification (germline): Uncertain significance. Review status: criteria provided, multiple submitters, no conflicts (2 of 4 stars). 2 submissions from 2 submitters: Uncertain significance (2). Last evaluated 2024-01-24.

Conditions:
Hyperkalemic periodic paralysis. Also called: Familial hyperkalemic periodic paralysis; Gamstorp disease. Identifiers: Orphanet 682, MedGen C0238357, MONDO:0008224, OMIM 170500, HP:0007215.
Paramyotonia congenita of Von Eulenburg. Also called: PARALYSIS PERIODICA PARAMYOTONICA; Paramyotonia Congenita; Eulenburg disease; Myotonia congenita intermittens; Von Eulenburg paramyotonia congenita. Identifiers: Orphanet 684, MedGen C0221055, MONDO:0008195, OMIM 168300. Disease mechanism: loss of function.
Congenital myopathy 22A, classic (CMYO22A). Identifiers: MedGen C5830453, MONDO:0957247, OMIM 620351.
Congenital myopathy 22B, severe fetal (CMYO22B). Identifiers: MedGen C5830501, MONDO:0957265, OMIM 620369.
Hypokalemic periodic paralysis, type 2 (HOKPP2). Identifiers: Orphanet 681, MedGen C2750061, MONDO:0013234, OMIM 613345.
Potassium-aggravated myotonia. Also called: MYOTONIA CONGENITA, ACETAZOLAMIDE-RESPONSIVE; MYOTONIA CONGENITA, ATYPICAL; SODIUM CHANNEL MUSCLE DISEASE; Myotonia congenita, atypical, acetazolamide-responsive. Identifiers: Orphanet 612, Orphanet 99734, Orphanet 99735, Orphanet 99736, MedGen C2931826, MONDO:0018959, OMIM 608390.
Congenital myasthenic syndrome 16. Identifiers: Orphanet 590, MedGen C3280112, MONDO:0013620, OMIM 614198.

Allele frequency attached by ClinVar (database versions not stated): gnomAD 0.00001; gnomAD exomes 0.00001 and below 0.00001; TOPMed 0.00001.

Submissions (2):

Fulgent Genetics
Classification: Uncertain significance for Paramyotonia congenita of Von Eulenburg; Hyperkalemic periodic paralysis; Potassium-aggravated myotonia; Hypokalemic periodic paralysis, type 2; Congenital myasthenic syndrome 16; Congenital myopathy 22A, classic; Congenital myopathy 22B, severe fetal. Last evaluated: 2024-01-24. Review status: criteria provided, single submitter. Criteria: ACMG Guidelines, 2015. Collection method: clinical testing. Allele origin: germline.

Labcorp Genetics (formerly Invitae), Labcorp
Classification: Uncertain significance for Hyperkalemic periodic paralysis. Last evaluated: 2023-11-27. Review status: criteria provided, single submitter. Criteria: Invitae Variant Classification Sherloc (09022015). Collection method: clinical testing. Allele origin: germline.
Comment: This sequence change replaces glutamic acid, which is acidic and polar, with lysine, which is basic and polar, at codon 1520 of the SCN4A protein (p.Glu1520Lys). This variant is present in population databases (no rsID available, gnomAD 0.003%). This variant has not been reported in the literature in individuals affected with SCN4A-related conditions. ClinVar contains an entry for this variant (Variation ID: 1506429). Advanced modeling of protein sequence and biophysical properties (such as structural, functional, and spatial information, amino acid conservation, physicochemical variation, residue mobility, and thermodynamic stability) has been performed at Invitae for this missense variant, however the output from this modeling did not meet the statistical confidence thresholds required to predict the impact of this variant on SCN4A protein function. Experimental studies have shown that this missense change affects SCN4A function (PMID: 29605429). In summary, the available evidence is currently insufficient to determine the role of this variant in disease. Therefore, it has been classified as a Variant of Uncertain Significance.

Literature cited by the submitters: PubMed 29605429 (cited by Labcorp Genetics (formerly Invitae), Labcorp).

NM_000334.4(SCN4A):c.4558G>A (p.Glu1520Lys)

Genes: GH-LCR (growth hormone locus control region; plus strand), SCN4A (sodium voltage-gated channel alpha subunit 4; minus strand). Cytogenetic location: 17q23.3.
Variant type: single nucleotide variant.
Coding change: c.4558G>A on transcript NM_000334.4 (MANE Select); coding-DNA position 4558, G replaced by A.
Protein change: p.Glu1520Lys; replaces glutamic acid 1520 with lysine.
Molecular consequence: missense variant.
Genome position (GRCh38, 1-based): chr17:63,941,724, C>T on the plus strand (G>A on the coding strand, the complement: SCN4A is on the minus strand). VCF-style: chr17-63941724-C-T. GRCh37 (hg19) VCF-style: chr17-62019084-C-T.
Other names: short protein forms E1520K.
Identifiers: ClinVar variation 1506429 (VCV001506429.7), dbSNP rs898253712, ClinGen allele CA292957070.